The following is an entry in ClinVar:

ClinVar aggregate classification (germline): Likely benign. Review status: criteria provided, multiple submitters, no conflicts (2 of 4 stars). 2 submissions from 2 submitters: Likely benign (2). Last evaluated 2025-11-03.

Conditions:
Ehlers-Danlos syndrome, classic type, 1 (EDSCL1). Also called: EHLERS-DANLOS SYNDROME, GRAVIS TYPE; EHLERS-DANLOS SYNDROME, SEVERE CLASSIC TYPE; EDS I; Ehlers-Danlos Syndrome, Classic Type, COL5A1-Related; Ehlers-Danlos syndrome, type 1. Identifiers: MedGen C0268335, MONDO:0019567, OMIM 130000.

Allele frequency attached by ClinVar (database versions not stated): gnomAD exomes 0.00004 and 0.00001; ExAC 0.00008; TOPMed 0.00001.
gnomAD v4.1: 22 of 1,570,342 alleles (0.0014%); highest among the groups gnomAD compares: Middle Eastern, 0.27%; 2 homozygotes.

Submissions (2):

Labcorp Genetics (formerly Invitae), Labcorp
Classification: Likely benign for Ehlers-Danlos syndrome, classic type, 1. Last evaluated: 2025-11-03. Review status: criteria provided, single submitter. Criteria: Invitae Variant Classification Sherloc (09022015). Collection method: clinical testing. Allele origin: germline.

GeneDx
Classification: Likely benign. Last evaluated: 2018-02-09. Review status: criteria provided, single submitter. Criteria: GeneDx Variant Classification (06012015). Collection method: clinical testing. Allele origin: germline. Affected: yes.
Comment: This variant is considered likely benign or benign based on one or more of the following criteria: it is a conservative change, it occurs at a poorly conserved position in the protein, it is predicted to be benign by multiple in silico algorithms, and/or has population frequency not consistent with disease.

NM_000393.5(COL5A2):c.567+7T>C

Gene: COL5A2 (collagen type V alpha 2 chain; minus strand). Cytogenetic location: 2q32.2.
Variant type: single nucleotide variant.
Coding change: c.567+7T>C on transcript NM_000393.5 (MANE Select); 7 bases into the intron after coding-DNA position 567, T replaced by C.
Molecular consequence: intron variant.
Genome position (GRCh38, 1-based): chr2:189,092,303, A>G on the plus strand (T>C on the coding strand, the complement: COL5A2 is on the minus strand). VCF-style: chr2-189092303-A-G. GRCh37 (hg19) VCF-style: chr2-189957029-A-G.
Identifiers: ClinVar variation 459753 (VCV000459753.13), dbSNP rs755666206, ClinGen allele CA2023032.